The following is an entry in ClinVar:

NM_001040142.2(SCN2A):c.202G>A (p.Asp68Asn)

Gene: SCN2A (sodium voltage-gated channel alpha subunit 2; plus strand). Cytogenetic location: 2q24.3.
Variant type: single nucleotide variant.
Coding change: c.202G>A on transcript NM_001040142.2 (MANE Select); coding-DNA position 202, G replaced by A.
Protein change: p.Asp68Asn; replaces aspartic acid 68 with asparagine.
Molecular consequence: missense variant.
Genome position (GRCh38, 1-based): chr2:165,296,025, G>A. VCF-style: chr2-165296025-G-A. GRCh37 (hg19) VCF-style: chr2-166152535-G-A.
Other names: c.202G>A, p.Asp68Asn (NM_001040143.2, NM_001371246.1, NM_001371247.1 and 1 more transcripts); short protein forms D68N.
Identifiers: ClinVar variation 5010116 (VCV005010116.1).
Genomic context (GRCh38, chr2:165,296,025, plus strand): 5'-AATGGCCCAAAGCCAAACAGTGACTTGGAAGCAGGAAAATCTCTTCCATTTATTTATGGA[G>A]ACATTCCTCCAGAGATGGTGTCAGTGCCCCTGGAGGATCTGGACCCCTACTATATCAATA-3'
Protein context (NP_001035232.1, residues 58-78): AGKSLPFIYG[Asp68Asn]IPPEMVSVPL

ClinVar aggregate classification (germline): Uncertain significance (1 of 4 stars; one submission).

Submission:

GeneDx
Classification: Uncertain significance. Last evaluated: 2026-02-25. Review status: criteria provided, single submitter. Criteria: GeneDx Variant Classification Process June 2021. Collection method: clinical testing. Allele origin: germline.
Comment: Not observed at significant frequency in large population cohorts (gnomAD); In silico analysis supports that this missense variant has a deleterious effect on protein structure/function; Has not been previously published as pathogenic or benign to our knowledge; This substitution is predicted to be within the N-terminal cytoplasmic domain